The following is an entry in ClinVar:

NM_021930.6(RINT1):c.455T>C (p.Ile152Thr)

Gene: RINT1 (RAD50 interactor 1; plus strand). Cytogenetic location: 7q22.3.
Variant type: single nucleotide variant.
Coding change: c.455T>C on transcript NM_021930.6 (MANE Select); coding-DNA position 455, T replaced by C.
Protein change: p.Ile152Thr; replaces isoleucine 152 with threonine.
Molecular consequence: missense variant. On other transcripts: 5 prime UTR variant (3), non-coding transcript variant (1).
Genome position (GRCh38, 1-based): chr7:105,542,589, T>C. VCF-style: chr7-105542589-T-C. GRCh37 (hg19) VCF-style: chr7-105183036-T-C.
Other names: c.455T>C (NM_021930.4); c.221T>C, p.Ile74Thr (NM_001346599.2); c.-565T>C (NM_001346600.2); c.-468T>C (NM_001346601.2); c.-88T>C (NM_001346603.2); short protein forms I152T, I74T.
Identifiers: ClinVar variation 2061166 (VCV002061166.5), dbSNP rs1258669957, ClinGen allele CA368803752.

ClinVar aggregate classification (germline): Uncertain significance. Review status: criteria provided, multiple submitters, no conflicts (2 of 4 stars). 2 submissions from 2 submitters: Uncertain significance (2). Last evaluated 2025-01-06.

Allele frequency attached by ClinVar (database versions not stated): gnomAD exomes 0.00001; TOPMed 0.00001; gnomAD 0.00001.
gnomAD v4.1: 9 of 1,614,002 alleles (0.00056%); highest among the groups gnomAD compares: African/African-American, 0.0053%; no homozygotes.

Submissions (2):

Labcorp Genetics (formerly Invitae), Labcorp
Classification: Uncertain significance. Last evaluated: 2025-01-06. Review status: criteria provided, single submitter. Criteria: Invitae Variant Classification Sherloc (09022015). Collection method: clinical testing. Allele origin: germline.
Comment: This sequence change replaces isoleucine, which is neutral and non-polar, with threonine, which is neutral and polar, at codon 152 of the RINT1 protein (p.Ile152Thr). This variant is present in population databases (no rsID available, gnomAD 0.007%). This variant has not been reported in the literature in individuals affected with RINT1-related conditions. ClinVar contains an entry for this variant (Variation ID: 2061166). An algorithm developed to predict the effect of missense changes on protein structure and function (PolyPhen-2) suggests that this variant is likely to be tolerated. In summary, the available evidence is currently insufficient to determine the role of this variant in disease. Therefore, it has been classified as a Variant of Uncertain Significance.

Ambry Genetics
Classification: Uncertain significance. Last evaluated: 2024-06-20. Review status: criteria provided, single submitter. Criteria: Ambry Variant Classification Scheme 2023. Collection method: clinical testing. Allele origin: germline.
Comment: The p.I152T variant (also known as c.455T>C), located in coding exon 4 of the RINT1 gene, results from a T to C substitution at nucleotide position 455. The isoleucine at codon 152 is replaced by threonine, an amino acid with similar properties. This amino acid position is not well conserved in available vertebrate species. In addition, this alteration is predicted to be tolerated by in silico analysis. The evidence for this gene-disease relationship is limited; therefore, the clinical significance of this alteration is unclear.